The following is an entry in ClinVar:

ClinVar aggregate classification (germline): Uncertain significance (1 of 4 stars; one submission).

Conditions:
Inborn genetic diseases. Identifiers: MedGen C0950123, MeSH D030342.

Allele frequency attached by ClinVar (database versions not stated): TOPMed below 0.00001; gnomAD 0.00001.

Submission:

Ambry Genetics
Classification: Uncertain significance for Inborn genetic diseases. Last evaluated: 2022-11-14. Review status: criteria provided, single submitter. Criteria: Ambry Variant Classification Scheme 2023. Collection method: clinical testing. Allele origin: germline.
Comment: The c.1198+3A>G intronic alteration consists of a A to G substitution nucleotides after coding exon 9 in the BBS9 gene. Based on insufficient or conflicting evidence, the clinical significance of this alteration remains unclear.

NM_198428.3(BBS9):c.1198+3A>G

Gene: BBS9 (Bardet-Biedl syndrome 9; plus strand). Cytogenetic location: 7p14.3.
Variant type: single nucleotide variant.
Coding change: c.1198+3A>G on transcript NM_198428.3 (MANE Select); 3 bases into the intron after coding-DNA position 1198, A replaced by G.
Molecular consequence: intron variant.
Genome position (GRCh38, 1-based): chr7:33,336,625, A>G. VCF-style: chr7-33336625-A-G. GRCh37 (hg19) VCF-style: chr7-33376237-A-G.
Other names: c.1198+3A>G (NM_001348036.1, NM_001362679.1, NM_001348041.4 and 5 more transcripts); c.925+3A>G (NM_001348038.3, NM_001348039.3); c.832+3A>G (NM_001348037.3, NM_001348045.3, NM_001348046.3 and 1 more transcripts); c.1063+3A>G (NM_001348042.3).
Identifiers: ClinVar variation 2313638 (VCV002313638.2), dbSNP rs1193699767, ClinGen allele CA573740953.
Genomic context (GRCh38, chr7:33,336,625, plus strand): 5'-CTTGATGTAGAAATGAAAGAACTTCAGAAAATCATCAAAGATGTTAACAAATCACAAGGT[A>G]TCTCATTTGCAGCTTTTTATTATTTTAGTATTCATTATGAAATTCATATTATCTTGTAGA-3'